The following is an entry in ClinVar:

ClinVar aggregate classification (germline): Uncertain significance (1 of 4 stars; one submission).

Submission:

Mayo Clinic Laboratories, Mayo Clinic
Classification: Uncertain significance. Last evaluated: 2025-12-12. Review status: criteria provided, single submitter. Criteria: ACMG Guidelines, 2015. Collection method: clinical testing. Allele origin: germline. Observed: 1 variant allele.
Comment: PM2_supporting, PM4

NM_024580.6(EFL1):c.1328_1333del (p.Glu443_Arg444del)

Gene: EFL1 (elongation factor like GTPase 1; minus strand). Cytogenetic location: 15q25.2.
Variant type: Deletion.
Coding change: c.1328_1333del on transcript NM_024580.6 (MANE Select); coding-DNA positions 1328 to 1333, 6 bases deleted (AGCGTG; older notation c.1328_1333delAGCGTG).
Protein change: p.Glu443_Arg444del.
Molecular consequence: inframe deletion. On other transcripts: non-coding transcript variant (1).
Genome position (GRCh38, 1-based): chr15:82,220,189-82,220,194, CACGCT deleted on the plus strand (AGCGTG on the coding strand, the reverse complement: EFL1 is on the minus strand); deleting any 6 consecutive bases within chr15:82,220,189-82,220,198 gives the same sequence; the c. name uses the placement nearest the transcript's 3' end. VCF-style (leftmost placement, unchanged base first): chr15-82220188-GCACGCT-G. GRCh37 (hg19) VCF-style: chr15-82512529-GCACGCT-G.
Other names: p.Glu443_Arg444del; c.1175_1180del, p.Glu392_Arg393del (NM_001040610.3); c.539_544del, p.Glu180_Arg181del (NM_001322844.2); c.1328_1333del, p.Glu443_Arg444del (NM_001322845.2).
Identifiers: ClinVar variation 4541969 (VCV004541969.1).